The following is an entry in ClinVar:

NM_001378120.1(MBD5):c.830C>G (p.Ser277Ter)

Gene: MBD5 (methyl-CpG binding domain protein 5; plus strand). Cytogenetic location: 2q23.1.
Variant type: single nucleotide variant.
Coding change: c.830C>G on transcript NM_001378120.1 (MANE Select); coding-DNA position 830, C replaced by G.
Protein change: p.Ser277Ter; replaces serine 277 with a stop codon.
Molecular consequence: nonsense.
Genome position (GRCh38, 1-based): chr2:148,468,773, C>G. VCF-style: chr2-148468773-C-G. GRCh37 (hg19) VCF-style: chr2-149226342-C-G.
Other names: c.830C>G, p.Ser277Ter (NM_018328.5); short protein forms S277*.
Identifiers: ClinVar variation 931316 (VCV000931316.3), dbSNP rs1029755113, ClinGen allele CA348717809.

ClinVar aggregate classification (germline): Likely pathogenic (1 of 4 stars; one submission).

Conditions:
Intellectual developmental disorder, autosomal dominant 1. Also called: Intellectual disability, autosomal dominant 1; MBD5 Haploinsufficiency. Identifiers: Orphanet 228402, MedGen C1969562, MONDO:0007974, OMIM 156200.

Submission:

Centre for Mendelian Genomics, University Medical Centre Ljubljana
Classification: Likely pathogenic for Intellectual developmental disorder, autosomal dominant 1. Last evaluated: 2020-01-30. Review status: criteria provided, single submitter. Criteria: ACMG Guidelines, 2015. Collection method: clinical testing. Allele origin: unknown. Affected: yes.
Comment: This variant was classified as: Likely pathogenic. The following ACMG criteria were applied in classifying this variant: PVS1,PM2.